The following is an entry in ClinVar:

NM_001710.6(CFB):c.608G>T (p.Arg203Leu)

Gene: CFB (complement factor B; plus strand). Cytogenetic location: 6p21.33.
Variant type: single nucleotide variant.
Coding change: c.608G>T on transcript NM_001710.6 (MANE Select); coding-DNA position 608, G replaced by T.
Protein change: p.Arg203Leu; replaces arginine 203 with leucine.
Molecular consequence: missense variant.
Genome position (GRCh38, 1-based): chr6:31,947,471, G>T. VCF-style: chr6-31947471-G-T. GRCh37 (hg19) VCF-style: chr6-31915248-G-T.
Other names: short protein forms R203L.
Identifiers: ClinVar variation 2999977 (VCV002999977.3), dbSNP rs745794224, ClinGen allele CA363393498.

ClinVar aggregate classification (germline): Uncertain significance (1 of 4 stars; one submission).

gnomAD v4.1: 2 of 1,612,984 alleles (0.00012%); highest among the groups gnomAD compares: Non-Finnish European, 0.00017%; no homozygotes.

Submission:

Labcorp Genetics (formerly Invitae), Labcorp
Classification: Uncertain significance. Last evaluated: 2023-05-20. Review status: criteria provided, single submitter. Criteria: Invitae Variant Classification Sherloc (09022015). Collection method: clinical testing. Allele origin: germline.
Comment: This sequence change replaces arginine, which is basic and polar, with leucine, which is neutral and non-polar, at codon 203 of the CFB protein (p.Arg203Leu). This variant is not present in population databases (gnomAD no frequency). This variant has not been reported in the literature in individuals affected with CFB-related conditions. Advanced modeling of protein sequence and biophysical properties (such as structural, functional, and spatial information, amino acid conservation, physicochemical variation, residue mobility, and thermodynamic stability) performed at Invitae indicates that this missense variant is expected to disrupt CFB protein function. In summary, the available evidence is currently insufficient to determine the role of this variant in disease. Therefore, it has been classified as a Variant of Uncertain Significance.